The following is an entry in ClinVar:

ClinVar aggregate classification (germline): Uncertain significance (1 of 4 stars; one submission).

Allele frequency attached by ClinVar (database versions not stated): TOPMed below 0.00001; ExAC 0.00001; gnomAD exomes 0.00001 and 0.00004.
gnomAD v4.1: 53 of 1,613,590 alleles (0.0033%); highest among the groups gnomAD compares: Non-Finnish European, 0.0045%; no homozygotes.

Submission:

Labcorp Genetics (formerly Invitae), Labcorp
Classification: Uncertain significance. Last evaluated: 2021-08-13. Review status: criteria provided, single submitter. Criteria: Invitae Variant Classification Sherloc (09022015). Collection method: clinical testing. Allele origin: germline.
Comment: This sequence change affects codon 241 of the UNC80 mRNA. It is a 'silent' change, meaning that it does not change the encoded amino acid sequence of the UNC80 protein. It affects a nucleotide within the consensus splice site of the intron. This variant is present in population databases (rs747807710, ExAC 0.002%). This variant has not been reported in the literature in individuals affected with UNC80-related conditions. Algorithms developed to predict the effect of sequence changes on RNA splicing suggest that this variant may disrupt the consensus splice site. In summary, the available evidence is currently insufficient to determine the role of this variant in disease. Therefore, it has been classified as a Variant of Uncertain Significance.

NM_001371986.1(UNC80):c.723A>G (p.Thr241=)

Gene: UNC80 (unc-80 homolog, NALCN channel complex subunit; plus strand). Cytogenetic location: 2q34.
Variant type: single nucleotide variant.
Coding change: c.723A>G on transcript NM_001371986.1 (MANE Select); coding-DNA position 723, A replaced by G.
Protein change: p.Thr241=; no amino-acid change (threonine 241 retained).
Molecular consequence: synonymous variant.
Genome position (GRCh38, 1-based): chr2:209,786,188, A>G. VCF-style: chr2-209786188-A-G. GRCh37 (hg19) VCF-style: chr2-210650912-A-G.
Other names: c.723A>G, p.Thr241= (NM_032504.2, NM_182587.4).
Identifiers: ClinVar variation 1495406 (VCV001495406.5), dbSNP rs747807710, ClinGen allele CA2082816.
Genomic context (GRCh38, chr2:209,786,188, plus strand): 5'-CAGACAGCCCGGAGTCTCTGGCTTTACCGCACTGGTGAAGCCCATCAGGAACATCATTAC[A>G]GGTTTGTAACTTGGACACTCAGTAGGACAGTATTAGCAGATTCCCTCACACACAGTAGTT-3'
Protein context (NP_001358915.1, residues 231-251): ALVKPIRNII[Thr241=]AKRSSPINSQ